The following is an entry in ClinVar:

NM_001080517.3(SETD5):c.1514A>C (p.His505Pro)

Gene: SETD5 (SET domain containing 5; plus strand). Cytogenetic location: 3p25.3.
Variant type: single nucleotide variant.
Coding change: c.1514A>C on transcript NM_001080517.3 (MANE Select); coding-DNA position 1514, A replaced by C.
Protein change: p.His505Pro; replaces histidine 505 with proline.
Molecular consequence: missense variant.
Genome position (GRCh38, 1-based): chr3:9,445,730, A>C. VCF-style: chr3-9445730-A-C. GRCh37 (hg19) VCF-style: chr3-9487414-A-C.
Other names: c.1220A>C, p.His407Pro (NM_001292043.2, NM_001349451.2); short protein forms H407P, H505P.
Identifiers: ClinVar variation 3234942 (VCV003234942.1), dbSNP rs2125243380, ClinGen allele CA351694221.

ClinVar aggregate classification (germline): Uncertain significance (1 of 4 stars; one submission).

Conditions:
Intellectual disability-facial dysmorphism syndrome due to SETD5 haploinsufficiency (MRD23). Also called: Intellectual developmental disorder, autosomal dominant 23. Identifiers: Orphanet 404440, MedGen C3810406, MONDO:0014336, OMIM 615761.

Submission:

Neuberg Centre For Genomic Medicine, NCGM
Classification: Uncertain significance for Intellectual disability-facial dysmorphism syndrome due to SETD5 haploinsufficiency. Review status: criteria provided, single submitter. Criteria: ACMG Guidelines, 2015. Collection method: clinical testing. Allele origin: germline. Inheritance: Autosomal dominant inheritance. Affected: yes.
Comment: The missense variant c.1514A>Cp.His505Pro in SETD5 gene has not been reported previously as a pathogenic variant nor as a benign variant, to our knowledge. The variant is novel not in any individuals in gnomAD Exomes and 1000 Genomes. The amino acid Histidine at position 505 is changed to a Proline changing protein sequence and it might alter its composition and physicochemical properties. The amino acid change p.His505Pro in SETD5 is predicted as conserved by GERP++ and PhyloP across 100 vertebrates. For these reasons, this variant has been classified as Uncertain Significance.